The following is an entry in ClinVar:

NM_003978.5(PSTPIP1):c.50C>T (p.Thr17Ile)

Gene: PSTPIP1 (proline-serine-threonine phosphatase interacting protein 1; plus strand). Cytogenetic location: 15q24.3.
Variant type: single nucleotide variant.
Coding change: c.50C>T on transcript NM_003978.5 (MANE Select); coding-DNA position 50, C replaced by T.
Protein change: p.Thr17Ile; replaces threonine 17 with isoleucine.
Molecular consequence: missense variant. On other transcripts: non-coding transcript variant (1).
Genome position (GRCh38, 1-based): chr15:77,018,161, C>T. VCF-style: chr15-77018161-C-T. GRCh37 (hg19) VCF-style: chr15-77310502-C-T.
Other names: c.50C>T, p.Thr17Ile (NM_001321135.2); c.23C>T, p.Thr8Ile (NM_001321136.2); c.245C>T, p.Thr82Ile (NM_001321137.1); short protein forms T82I, T8I, T17I.
Identifiers: ClinVar variation 665673 (VCV000665673.6), dbSNP rs1235260030, ClinGen allele CA393518158.

ClinVar aggregate classification (germline): Uncertain significance (1 of 4 stars; one submission).

Conditions:
Pyogenic arthritis-pyoderma gangrenosum-acne syndrome (PAPA). Also called: PAPA SYNDROME; FAMILIAL RECURRENT ARTHRITIS. Identifiers: Orphanet 69126, MedGen C1858361, MONDO:0011462, OMIM 604416.

Allele frequency attached by ClinVar (database versions not stated): gnomAD exomes below 0.00001.
gnomAD v4.1: 1 of 1,582,970 alleles (0.000063%); highest among the groups gnomAD compares: Admixed American, 0.0018%; no homozygotes.

Submission:

Labcorp Genetics (formerly Invitae), Labcorp
Classification: Uncertain significance for Pyogenic arthritis-pyoderma gangrenosum-acne syndrome. Last evaluated: 2021-09-01. Review status: criteria provided, single submitter. Criteria: Invitae Variant Classification Sherloc (09022015). Collection method: clinical testing. Allele origin: germline.
Comment: This sequence change replaces threonine with isoleucine at codon 17 of the PSTPIP1 protein (p.Thr17Ile). The threonine residue is highly conserved and there is a moderate physicochemical difference between threonine and isoleucine. This variant is not present in population databases (ExAC no frequency). This variant has not been reported in the literature in individuals affected with PSTPIP1-related conditions. Algorithms developed to predict the effect of missense changes on protein structure and function are either unavailable or do not agree on the potential impact of this missense change (SIFT: "Deleterious"; PolyPhen-2: "Benign"; Align-GVGD: "Class C0"). In summary, the available evidence is currently insufficient to determine the role of this variant in disease. Therefore, it has been classified as a Variant of Uncertain Significance.